The following is an entry in ClinVar:

NM_001243279.3(ACSF3):c.-20-11C>A

Gene: ACSF3 (acyl-CoA synthetase family member 3; plus strand). Cytogenetic location: 16q24.3.
Variant type: single nucleotide variant.
Coding change: c.-20-11C>A on transcript NM_001243279.3 (MANE Select); 11 bases into the intron before 20 bases upstream of the start codon, C replaced by A.
Molecular consequence: intron variant.
Genome position (GRCh38, 1-based): chr16:89,100,651, C>A. VCF-style: chr16-89100651-C-A. GRCh37 (hg19) VCF-style: chr16-89167059-C-A.
Other names: c.-20-11C>A (NM_001127214.4, NM_174917.5); c.-129-1953C>A (NM_001284316.2).
Identifiers: ClinVar variation 514446 (VCV000514446.1), dbSNP rs770106565, ClinGen allele CA658798652.

ClinVar aggregate classification (germline): Likely benign (1 of 4 stars; one submission).

Allele frequency attached by ClinVar (database versions not stated): gnomAD exomes below 0.00001; TOPMed below 0.00001.
gnomAD v4.1: 2 of 1,594,442 alleles (0.00013%); highest among the groups gnomAD compares: African/African-American, 0.0013%; no homozygotes.

Submission:

GeneDx
Classification: Likely benign. Last evaluated: 2018-01-22. Review status: criteria provided, single submitter. Criteria: GeneDx Variant Classification (06012015). Collection method: clinical testing. Allele origin: germline. Affected: yes.
Comment: This variant is considered likely benign or benign based on one or more of the following criteria: it is a conservative change, it occurs at a poorly conserved position in the protein, it is predicted to be benign by multiple in silico algorithms, and/or has population frequency not consistent with disease.